The following is an entry in ClinVar:

NM_017534.6(MYH2):c.4997C>T (p.Ala1666Val)

Genes: MYH2 (myosin heavy chain 2; minus strand), MYHAS (myosin heavy chain gene cluster antisense RNA; plus strand), LOC126862500 (BRD4-independent group 4 enhancer GRCh37_chr17:10427829-10429028; plus strand). Cytogenetic location: 17p13.1.
Variant type: single nucleotide variant.
Coding change: c.4997C>T on transcript NM_017534.6 (MANE Select); coding-DNA position 4997, C replaced by T.
Protein change: p.Ala1666Val; replaces alanine 1666 with valine.
Molecular consequence: missense variant.
Genome position (GRCh38, 1-based): chr17:10,524,644, G>A on the plus strand (C>T on the coding strand, the complement: MYH2 is on the minus strand). VCF-style: chr17-10524644-G-A. GRCh37 (hg19) VCF-style: chr17-10427961-G-A.
Other names: c.4997C>T, p.Ala1666Val (NM_001100112.2); c.4997C>T (NM_017534.5); short protein forms A1666V.
Identifiers: ClinVar variation 2911828 (VCV002911828.4), dbSNP rs773964603, ClinGen allele CA8390514.

ClinVar aggregate classification (germline): Uncertain significance. Review status: criteria provided, multiple submitters, no conflicts (2 of 4 stars). 2 submissions from 2 submitters: Uncertain significance (2). Last evaluated 2024-10-12.

Conditions:
Inborn genetic diseases. Identifiers: MedGen C0950123, MeSH D030342.
Myopathy, proximal, and ophthalmoplegia (CMYO6). Also called: MYOPATHY WITH CONGENITAL JOINT CONTRACTURES, OPHTHALMOPLEGIA, AND RIMMED VACUOLES; CONGENITAL MYOPATHY 6 WITH OPHTHALMOPLEGIA; INCLUSION BODY MYOPATHY 3, AUTOSOMAL DOMINANT. Identifiers: Orphanet 363677, Orphanet 79091, MedGen C1854106, MONDO:0011577, OMIM 605637.

Allele frequency attached by ClinVar (database versions not stated): TOPMed below 0.00001; gnomAD 0.00001; ExAC 0.00003.
gnomAD v4.1: 46 of 1,614,218 alleles (0.0028%); highest among the groups gnomAD compares: South Asian, 0.045%; 1 homozygote.

Submissions (2):

Ambry Genetics
Classification: Uncertain significance for Inborn genetic diseases. Last evaluated: 2024-10-12. Review status: criteria provided, single submitter. Criteria: Ambry Variant Classification Scheme 2023. Collection method: clinical testing. Allele origin: germline.

Labcorp Genetics (formerly Invitae), Labcorp
Classification: Uncertain significance for Myopathy, proximal, and ophthalmoplegia. Last evaluated: 2023-11-21. Review status: criteria provided, single submitter. Criteria: Invitae Variant Classification Sherloc (09022015). Collection method: clinical testing. Allele origin: germline.
Comment: This sequence change replaces alanine, which is neutral and non-polar, with valine, which is neutral and non-polar, at codon 1666 of the MYH2 protein (p.Ala1666Val). This variant is present in population databases (rs773964603, gnomAD 0.04%). This variant has not been reported in the literature in individuals affected with MYH2-related conditions. Advanced modeling of protein sequence and biophysical properties (such as structural, functional, and spatial information, amino acid conservation, physicochemical variation, residue mobility, and thermodynamic stability) performed at Invitae indicates that this missense variant is not expected to disrupt MYH2 protein function with a negative predictive value of 80%. In summary, the available evidence is currently insufficient to determine the role of this variant in disease. Therefore, it has been classified as a Variant of Uncertain Significance.